The following is an entry in ClinVar:

NM_004104.5(FASN):c.729C>T (p.Tyr243=)

Gene: FASN (fatty acid synthase; minus strand). Cytogenetic location: 17q25.3.
Variant type: single nucleotide variant.
Coding change: c.729C>T on transcript NM_004104.5 (MANE Select); coding-DNA position 729, C replaced by T.
Protein change: p.Tyr243=; no amino-acid change (tyrosine 243 retained).
Molecular consequence: synonymous variant.
Genome position (GRCh38, 1-based): chr17:82,092,946, G>A on the plus strand (C>T on the coding strand, the complement: FASN is on the minus strand). VCF-style: chr17-82092946-G-A. GRCh37 (hg19) VCF-style: chr17-80050822-G-A.
Identifiers: ClinVar variation 462108 (VCV000462108.21), dbSNP rs142734133, ClinGen allele CA8853416.
Genomic context (GRCh38, chr17:82,092,946, plus strand): 5'-GCAGAGCCCACCTTGCTCCTTGAAGCCATCTGTATTGGTGCCGGCGTTCAGGATGGTGGC[G>A]TACACCCGCCGGGCCAGGGACTTCTTGGTCAGCAGGACGGCCACCACACCCTCCGAGCGG-3'
Protein context (NP_004095.4, residues 233-253): LTKKSLARRV[Tyr243=]ATILNAGTNT

ClinVar aggregate classification (germline): Likely benign. Review status: criteria provided, multiple submitters, no conflicts (2 of 4 stars). 3 submissions from 3 submitters: Likely benign (2). 1 of the submissions does not count toward it. Last evaluated 2025-05-21.

Conditions:
Epileptic encephalopathy. Identifiers: MedGen C0543888, HP:0200134.
FASN-related disorder. Also called: FASN-related condition.

Allele frequency attached by ClinVar (database versions not stated): ESP Exome Variant Server 0.00008; ExAC 0.00016; gnomAD exomes 0.00023; gnomAD 0.00060 and 0.00063; TOPMed 0.00075; 1000 Genomes Project 0.00080; 1000 Genomes Project 30x 0.00094.
gnomAD v4.1: 289 of 1,609,800 alleles (0.018%); highest among the groups gnomAD compares: African/African-American, 0.11%; no homozygotes.

Submissions (3):

Labcorp Genetics (formerly Invitae), Labcorp
Classification: Likely benign for Epileptic encephalopathy. Last evaluated: 2025-05-21. Review status: criteria provided, single submitter. Criteria: Invitae Variant Classification Sherloc (09022015). Collection method: clinical testing. Allele origin: germline.

CeGaT Center for Human Genetics Tuebingen
Classification: Likely benign. Last evaluated: 2025-04-01. Review status: criteria provided, single submitter. Criteria: CeGaT Center For Human Genetics Tuebingen Variant Classification Criteria Version 2. Collection method: clinical testing. Allele origin: germline. Affected: yes. Observed: 1 variant allele.
Comment: FASN: BP4, BP7

PreventionGenetics, part of Exact Sciences
Classification: Likely benign for FASN-related condition. Last evaluated: 2019-04-01. Review status: no assertion criteria provided. Collection method: clinical testing. Allele origin: germline. Not counted in ClinVar's aggregate classification.
Comment: This variant is classified as likely benign based on ACMG/AMP sequence variant interpretation guidelines (Richards et al. 2015 PMID: 25741868, with internal and published modifications).